The following is an entry in ClinVar:

NM_001244008.2(KIF1A):c.3288C>T (p.Arg1096=)

Gene: KIF1A (kinesin family member 1A; minus strand). Cytogenetic location: 2q37.3.
Variant type: single nucleotide variant.
Coding change: c.3288C>T on transcript NM_001244008.2 (MANE Select); coding-DNA position 3288, C replaced by T.
Protein change: p.Arg1096=; no amino-acid change (arginine 1096 retained).
Molecular consequence: synonymous variant.
Genome position (GRCh38, 1-based): chr2:240,745,824, G>A on the plus strand (C>T on the coding strand, the complement: KIF1A is on the minus strand). VCF-style: chr2-240745824-G-A. GRCh37 (hg19) VCF-style: chr2-241685241-G-A.
Other names: c.3012C>T, p.Arg1004= (NM_001320705.2, NM_001330289.2, NM_001379638.1); c.3087C>T, p.Arg1029= (NM_001330290.2, NM_001379634.1, NM_001379635.1 and 1 more transcripts); c.3363C>T, p.Arg1121= (NM_001379631.1); c.3237C>T, p.Arg1079= (NM_001379632.1); c.3261C>T, p.Arg1087= (NM_001379633.1, NM_001379642.1, NM_001379645.1); c.2985C>T, p.Arg995= (NM_001379636.1, NM_001379639.1, NM_001379641.1 and 5 more transcripts); c.3060C>T, p.Arg1020= (NM_001379637.1, NM_001379648.1); c.2982C>T, p.Arg994= (NM_001379640.1); and 1 more.
Identifiers: ClinVar variation 589276 (VCV000589276.52), dbSNP rs542427011, ClinGen allele CA2207847.

ClinVar aggregate classification (germline): Conflicting classifications of pathogenicity. Review status: criteria provided, conflicting classifications (1 of 4 stars). 7 submissions from 7 submitters: Uncertain significance (2); Likely benign (4). 1 of the submissions does not count toward it. Last evaluated 2025-12-13.

Conditions:
Inborn genetic diseases. Identifiers: MedGen C0950123, MeSH D030342.
Hereditary spastic paraplegia. Also called: Familial spastic paraparesis. Identifiers: Orphanet 685, MedGen C0037773, MONDO:0019064. Disease mechanism: loss of function.
Hereditary spastic paraplegia 30. Identifiers: Orphanet 101010, MedGen C5235139, MONDO:0012476.
Neuropathy, hereditary sensory, type 2C. Also called: Hereditary sensory and autonomic neuropathy type IIC; KIF1A-Related HSAN2 (HSAN2C). Identifiers: Orphanet 970, MedGen C3280168, MONDO:0013634, OMIM 614213.
Intellectual disability, autosomal dominant 9 (NESCAVS). Also called: KIF1A-Related Neurodevelopmental Disorder; NESCAV SYNDROME. Identifiers: Orphanet 662367, MedGen C5393830, MONDO:0013656, OMIM 614255.
KIF1A-related disorder. Also called: KIF1A-related disorders; KIF1A-related condition.

Allele frequency attached by ClinVar (database versions not stated): ExAC 0.00001; gnomAD 0.00001; gnomAD exomes 0.00001; TOPMed 0.00002.
gnomAD v4.1: 25 of 1,613,004 alleles (0.0015%); highest among the groups gnomAD compares: Middle Eastern, 0.017%; no homozygotes.

Submissions (7):

Labcorp Genetics (formerly Invitae), Labcorp
Classification: Likely benign for Hereditary spastic paraplegia 30; Neuropathy, hereditary sensory, type 2C; Intellectual disability, autosomal dominant 9. Last evaluated: 2025-12-13. Review status: criteria provided, single submitter. Criteria: Invitae Variant Classification Sherloc (09022015). Collection method: clinical testing. Allele origin: germline.

Blueprint Genetics
Classification: Likely benign. Last evaluated: 2023-11-01. Review status: criteria provided, single submitter. Criteria: ACMG Guidelines, 2015. Collection method: clinical testing. Allele origin: germline.

CeGaT Center for Human Genetics Tuebingen
Classification: Likely benign. Last evaluated: 2022-07-01. Review status: criteria provided, single submitter. Criteria: CeGaT Center For Human Genetics Tuebingen Variant Classification Criteria Version 2. Collection method: clinical testing. Allele origin: germline. Affected: yes. Observed: 1 variant allele.
Comment: KIF1A: PM2:Supporting, BP4, BP7

Genome Diagnostics Laboratory, The Hospital for Sick Children
Classification: Uncertain significance for Hereditary spastic paraplegia. Last evaluated: 2020-07-14. Review status: criteria provided, single submitter. Criteria: ACMG Guidelines, 2015. Collection method: clinical testing. Allele origin: germline. Affected: yes.

Genetic Services Laboratory, University of Chicago
Classification: Uncertain significance. Last evaluated: 2018-02-10. Review status: criteria provided, single submitter. Criteria: ACMG Guidelines, 2015. Collection method: clinical testing. Allele origin: germline. Affected: no.

Ambry Genetics
Classification: Likely benign for Inborn genetic diseases. Last evaluated: 2016-05-14. Review status: criteria provided, single submitter. Criteria: Ambry Variant Classification Scheme 2023. Collection method: clinical testing. Allele origin: germline.

PreventionGenetics, part of Exact Sciences
Classification: Likely benign for KIF1A-related condition. Last evaluated: 2024-07-27. Review status: no assertion criteria provided. Collection method: clinical testing. Allele origin: germline. Not counted in ClinVar's aggregate classification.
Comment: This variant is classified as likely benign based on ACMG/AMP sequence variant interpretation guidelines (Richards et al. 2015 PMID: 25741868, with internal and published modifications).